The following is an entry in ClinVar:

ClinVar aggregate classification (germline): Likely benign (0 of 4 stars; one submission).

Conditions:
MARCHF10-related disorder. Also called: MARCHF10-related condition.

Allele frequency attached by ClinVar (database versions not stated): gnomAD exomes below 0.00001; gnomAD 0.00001.
gnomAD v4.1: 8 of 1,614,076 alleles (0.0005%); highest among the groups gnomAD compares: Non-Finnish European, 0.00051%; no homozygotes.

Submission:

PreventionGenetics, part of Exact Sciences
Classification: Likely benign for MARCHF10-related condition. Last evaluated: 2022-12-02. Review status: no assertion criteria provided. Collection method: clinical testing. Allele origin: germline.
Comment: This variant is classified as likely benign based on ACMG/AMP sequence variant interpretation guidelines (Richards et al. 2015 PMID: 25741868, with internal and published modifications).

NM_152598.4(MARCHF10):c.1674A>C (p.Leu558=)

Genes: MARCHF10 (membrane associated ring-CH-type finger 10; minus strand), MARCHF10-AS1 (MARCHF10 antisense RNA 1; plus strand). Cytogenetic location: 17q23.2.
Variant type: single nucleotide variant.
Coding change: c.1674A>C on transcript NM_152598.4 (MANE Select); coding-DNA position 1674, A replaced by C.
Protein change: p.Leu558=; no amino-acid change (leucine 558 retained).
Molecular consequence: synonymous variant. On other transcripts: non-coding transcript variant (1).
Genome position (GRCh38, 1-based): chr17:62,736,194, T>G on the plus strand (A>C on the coding strand, the complement: MARCHF10 is on the minus strand). VCF-style: chr17-62736194-T-G. GRCh37 (hg19) VCF-style: chr17-60813555-T-G.
Other names: c.1674A>C, p.Leu558= (NM_001100875.3); c.1788A>C, p.Leu596= (NM_001288779.2); c.1671A>C, p.Leu557= (NM_001288780.2).
Identifiers: ClinVar variation 3054668 (VCV003054668.2), dbSNP rs1398770067, ClinGen allele CA501339588.